The following is an entry in ClinVar:

NM_001378454.1(ALMS1):c.11323C>G (p.Leu3775Val)

Gene: ALMS1 (ALMS1 centrosome and basal body associated protein; plus strand). Cytogenetic location: 2p13.1.
Variant type: single nucleotide variant.
Coding change: c.11323C>G on transcript NM_001378454.1 (MANE Select); coding-DNA position 11323, C replaced by G.
Protein change: p.Leu3775Val; replaces leucine 3775 with valine.
Molecular consequence: missense variant.
Genome position (GRCh38, 1-based): chr2:73,573,200, C>G. VCF-style: chr2-73573200-C-G. GRCh37 (hg19) VCF-style: chr2-73800327-C-G.
Other names: c.11326C>G, p.Leu3776Val (NM_015120.4); short protein forms L3775V, L3776V.
Identifiers: ClinVar variation 916709 (VCV000916709.16), dbSNP rs771595125, ClinGen allele CA1715166.

ClinVar aggregate classification (germline): Conflicting classifications of pathogenicity. Review status: criteria provided, conflicting classifications (1 of 4 stars). 6 submissions from 6 submitters: Uncertain significance (3); Likely benign (2). 1 of the submissions does not count toward it. Last evaluated 2025-11-24.

Conditions:
Monogenic diabetes. Identifiers: Orphanet 183625, MedGen C3888631, MONDO:0015967.
Cardiovascular phenotype. Identifiers: MedGen CN230736.
Alstrom syndrome (ALMS). Identifiers: Orphanet 64, MedGen C0268425, MONDO:0008763, OMIM 203800.

Allele frequency attached by ClinVar (database versions not stated): TOPMed 0.00003.

Submissions (6):

Ambry Genetics
Classification: Likely benign for Cardiovascular phenotype. Last evaluated: 2025-11-24. Review status: criteria provided, single submitter. Criteria: Ambry Variant Classification Scheme 2023. Collection method: clinical testing. Allele origin: germline.

GeneDx
Classification: Uncertain significance. Last evaluated: 2025-03-19. Review status: criteria provided, single submitter. Criteria: GeneDx Variant Classification Process June 2021. Collection method: clinical testing. Allele origin: germline.
Comment: Has not been previously published as pathogenic or benign to our knowledge; Not observed at significant frequency in large population cohorts (gnomAD); In silico analysis indicates that this missense variant does not alter protein structure/function

Labcorp Genetics (formerly Invitae), Labcorp
Classification: Uncertain significance for Alstrom syndrome. Last evaluated: 2022-10-05. Review status: criteria provided, single submitter. Criteria: Invitae Variant Classification Sherloc (09022015). Collection method: clinical testing. Allele origin: germline.
Comment: This sequence change replaces leucine, which is neutral and non-polar, with valine, which is neutral and non-polar, at codon 3776 of the ALMS1 protein (p.Leu3776Val). This variant is present in population databases (rs771595125, gnomAD 0.01%). This variant has not been reported in the literature in individuals affected with ALMS1-related conditions. ClinVar contains an entry for this variant (Variation ID: 916709). Experimental studies and prediction algorithms are not available or were not evaluated, and the functional significance of this variant is currently unknown. In summary, the available evidence is currently insufficient to determine the role of this variant in disease. Therefore, it has been classified as a Variant of Uncertain Significance.

Personalized Diabetes Medicine Program, University of Maryland School of Medicine
Classification: Likely benign for Monogenic diabetes. Last evaluated: 2018-01-02. Review status: criteria provided, single submitter. Criteria: ACMG Guidelines, 2015. Collection method: research. Allele origin: unknown. Observed: 1 variant allele, 1 heterozygote.
Comment: ACMG criteria: PP3 (2 predictors), BP4 (6 predictors), BP1 (missense in gene with truncating cause disease)=Likely benign

Clinical Genomics, Uppaluri K&H Personalized Medicine Clinic
Classification: Uncertain significance for Alstrom syndrome. Review status: criteria provided, single submitter. Criteria: K & H Uppaluri Personalized Medicine Clinic Variant Classification & Assertion Criteria_Updated V.1. Collection method: research. Allele origin: unknown. Inheritance: Autosomal recessive inheritance.
Comment: Potent mutations in ALMS1 are associated with a rare condition called Alstrom syndrome. It can cause excessive eating, insulin resistance. However, no evidence is found to ascertain the role of rs771595125 in Alstrom syndrome yet.

Natera, Inc.
Classification: Uncertain significance for Alstrom syndrome. Last evaluated: 2021-05-14. Review status: no assertion criteria provided. Collection method: clinical testing. Allele origin: germline. Not counted in ClinVar's aggregate classification.

Literature cited by the submitters: PubMed 34148947 (cited by Clinical Genomics, Uppaluri K&H Personalized Medicine Clinic); PubMed 25846608 (cited by Clinical Genomics, Uppaluri K&H Personalized Medicine Clinic); PubMed 30421101 (cited by Clinical Genomics, Uppaluri K&H Personalized Medicine Clinic); PubMed 33669459 (cited by Clinical Genomics, Uppaluri K&H Personalized Medicine Clinic).